The following is an entry in ClinVar:

NM_003052.5(SLC34A1):c.1739C>A (p.Pro580His)

Gene: SLC34A1 (solute carrier family 34 member 1; plus strand). Cytogenetic location: 5q35.3.
Variant type: single nucleotide variant.
Coding change: c.1739C>A on transcript NM_003052.5 (MANE Select); coding-DNA position 1739, C replaced by A.
Protein change: p.Pro580His; replaces proline 580 with histidine.
Molecular consequence: missense variant.
Genome position (GRCh38, 1-based): chr5:177,398,105, C>A. VCF-style: chr5-177398105-C-A. GRCh37 (hg19) VCF-style: chr5-176825106-C-A.
Other names: short protein forms P580H.
Identifiers: ClinVar variation 64522 (VCV000064522.2), dbSNP rs387907504, ClinGen allele CA025518.
Genomic context (GRCh38, chr5:177,398,105, plus strand): 5'-TCCTGCAGAGTCGGAGTCCCGGGCACCTGCCCAAGTGGTTACAGACATGGGACTTCCTGC[C>A]TCGCTGGATGCACTCCCTGAAGCCCCTGGACCACCTCATCACCCGCGCCACCCTATGCTG-3'
Protein context (NP_003043.3, residues 570-590): PKWLQTWDFL[Pro580His]RWMHSLKPLD

ClinVar aggregate classification (germline): Uncertain significance (0 of 4 stars; one submission).

Submission:

Martin Pollak Laboratory,  Beth Israel Deaconess Medical Center
Classification: Uncertain significance. Review status: no assertion criteria provided. Collection method: not provided. Allele origin: unknown.
Comment: Lower and higher UCa2+ groups
ClinVar note: Converted during submission from unknown to Uncertain significance.